The following is an entry in ClinVar:

ClinVar aggregate classification (germline): Benign/Likely benign. Review status: criteria provided, multiple submitters, no conflicts (2 of 4 stars). 10 submissions from 10 submitters: Benign (7); Likely benign (3). Last evaluated 2026-09-01.

Conditions:
Inborn genetic diseases. Identifiers: MedGen C0950123, MeSH D030342.
TFG-related disorder. Also called: TFG-related disorders; TFG-related condition.
Hereditary spastic paraplegia 57. Also called: Spastic paraplegia 57, autosomal recessive. Identifiers: Orphanet 431329, MedGen C3714897, MONDO:0014295, OMIM 615658.
Hereditary motor and sensory neuropathy, Okinawa type (HMSNO). Also called: HEREDITARY MOTOR AND SENSORY NEUROPATHY, PROXIMAL TYPE. Identifiers: Orphanet 90117, MedGen C1858338, MONDO:0011468, OMIM 604484.

Allele frequency attached by ClinVar (database versions not stated): 1000 Genomes Project 0.00040; 1000 Genomes Project 30x 0.00094; gnomAD 0.00408 and 0.00417; TOPMed 0.00424; gnomAD exomes 0.00442 and 0.00678; ExAC 0.00479; ESP Exome Variant Server 0.00600.
gnomAD v4.1: 10,514 of 1,613,938 alleles (0.65%); highest among the groups gnomAD compares: Non-Finnish European, 0.8%; 36 homozygotes.

Submissions (10):

CeGaT Center for Human Genetics Tuebingen
Classification: Likely benign. Last evaluated: 2026-09-01. Review status: criteria provided, single submitter. Criteria: CeGaT Center For Human Genetics Tuebingen Variant Classification Criteria Version 2. Collection method: clinical testing. Allele origin: germline. Affected: yes. Observed: 32 variant alleles.
Comment: TFG: BP4, BP7, BS2

Labcorp Genetics (formerly Invitae), Labcorp
Classification: Benign for Hereditary motor and sensory neuropathy, Okinawa type; Hereditary spastic paraplegia 57. Last evaluated: 2026-02-04. Review status: criteria provided, single submitter. Criteria: Invitae Variant Classification Sherloc (09022015). Collection method: clinical testing. Allele origin: germline.

PreventionGenetics, part of Exact Sciences
Classification: Benign for TFG-related condition. Last evaluated: 2025-05-27. Review status: criteria provided, single submitter. Criteria: ACMG Guidelines, 2015. Collection method: clinical testing. Allele origin: germline.
Comment: This variant is classified as benign based on ACMG/AMP sequence variant interpretation guidelines (Richards et al. 2015 PMID: 25741868, with internal and published modifications).

Women's Health and Genetics/Laboratory Corporation of America, LabCorp
Classification: Benign. Last evaluated: 2025-02-10. Review status: criteria provided, single submitter. Criteria: LabCorp Variant Classification Summary - May 2015. Collection method: clinical testing. Allele origin: germline.

Blueprint Genetics
Classification: Likely benign. Last evaluated: 2024-11-22. Review status: criteria provided, single submitter. Criteria: ACMG Guidelines, 2015. Collection method: clinical testing. Allele origin: germline.

ARUP Laboratories, Molecular Genetics and Genomics, ARUP Laboratories
Classification: Benign. Last evaluated: 2023-10-19. Review status: criteria provided, single submitter. Criteria: ARUP Molecular Germline Variant Investigation Process 2024. Collection method: clinical testing. Allele origin: germline.

Mayo Clinic Laboratories, Mayo Clinic
Classification: Benign. Last evaluated: 2021-08-18. Review status: criteria provided, single submitter. Criteria: ACMG Guidelines, 2015. Collection method: clinical testing. Allele origin: germline. Observed: 39 variant alleles.
Comment: BS1, BS2, BP4, BP7

Ambry Genetics
Classification: Likely benign for Inborn genetic diseases. Last evaluated: 2019-07-11. Review status: criteria provided, single submitter. Criteria: Ambry Variant Classification Scheme 2023. Collection method: clinical testing. Allele origin: germline.

GeneDx
Classification: Benign. Last evaluated: 2015-03-03. Review status: criteria provided, single submitter. Criteria: GeneDx Variant Classification Process June 2021. Collection method: clinical testing. Allele origin: germline. Affected: yes.

Breakthrough Genomics
Classification: Benign. Review status: criteria provided, single submitter. Criteria: ACMG Guidelines, 2015. Collection method: not provided. Allele origin: germline. Inheritance: Autosomal recessive inheritance. Affected: yes.

NM_006070.6(TFG):c.594T>G (p.Ala198=)

Gene: TFG (trafficking from ER to golgi regulator; plus strand). Cytogenetic location: 3q12.2.
Variant type: single nucleotide variant.
Coding change: c.594T>G on transcript NM_006070.6 (MANE Select); coding-DNA position 594, T replaced by G.
Protein change: p.Ala198=; no amino-acid change (alanine 198 retained).
Molecular consequence: synonymous variant.
Genome position (GRCh38, 1-based): chr3:100,736,589, T>G. VCF-style: chr3-100736589-T-G. GRCh37 (hg19) VCF-style: chr3-100455433-T-G.
Other names: p.Ala198=; c.594T>G, p.Ala198= (NM_001007565.2, NM_001195478.2, NM_001195479.2).
Identifiers: ClinVar variation 466410 (VCV000466410.57), dbSNP rs12562, ClinGen allele CA2517136.
Genomic context (GRCh38, chr3:100,736,589, plus strand): 5'-GAAGGCCTTGTGTTGGATACTAAACTGACTTTTTTTTGACTATCCAGGGCCACCCAGTGC[T>G]CCTGCAGAAGATCGTTCAGGAACACCCGACAGCATTGCTTCCTCCTCCTCAGCAGCTCAC-3'
Protein context (NP_006061.2, residues 188-208): TDDQVSGPPS[Ala198=]PAEDRSGTPD